The following is an entry in ClinVar:

NM_000540.3(RYR1):c.6340_6346del (p.Pro2114fs)

Gene: RYR1 (ryanodine receptor 1; plus strand). Cytogenetic location: 19q13.2.
Variant type: Deletion.
Coding change: c.6340_6346del on transcript NM_000540.3 (MANE Select); coding-DNA positions 6340 to 6346, 7 bases deleted (CCCGAGC; older notation c.6340_6346delCCCGAGC).
Protein change: p.Pro2114fs; shifts the reading frame from proline 2114.
Molecular consequence: frameshift variant.
Genome position (GRCh38, 1-based): chr19:38,494,417-38,494,423, CCCGAGC deleted; deleting any 7 consecutive bases within chr19:38,494,413-38,494,423 gives the same sequence; the c. name uses the placement nearest the transcript's 3' end. VCF-style (leftmost placement, unchanged base first): chr19-38494412-AGAGCCCC-A. GRCh37 (hg19) VCF-style: chr19-38985052-AGAGCCCC-A.
Other names: c.6340_6346del, p.Pro2114fs (NM_001042723.2); short protein forms P2114fs.
Identifiers: ClinVar variation 3385424 (VCV003385424.1).

ClinVar aggregate classification (germline): Uncertain significance (1 of 4 stars; one submission).

Conditions:
Malignant hyperthermia, susceptibility to, 1 (MHS1). Also called: Anesthesia related hyperthermia; Malignant hyperpyrexia; Fulminating hyperpyrexia; Pharmacogenic myopathy; Malignant hyperthermia suceptibility 1; RYR1-Related Malignant Hyperthermia Susceptibility. Identifiers: Orphanet 423, MedGen C2930980, MONDO:0007783, OMIM 145600.

Submission:

All of Us Research Program, National Institutes of Health
Classification: Uncertain significance for Malignant hyperthermia, susceptibility to, 1. Last evaluated: 2024-03-24. Review status: criteria provided, single submitter. Criteria: ACMG Guidelines, 2015. Collection method: clinical testing. Allele origin: germline. Inheritance: Autosomal dominant inheritance. Observed: 1 variant allele, 1 heterozygote.
Comment: This variant deletes 7 nucleotides in exon 39 of the RYR1 gene, creating a frameshift and premature translation stop signal. This variant is expected to result in an absent or non-functional protein product. To our knowledge, this variant has not been reported in individuals affected with RYR1-related disorders in the literature. This variant has not been identified in the general population by the Genome Aggregation Database (gnomAD). Loss of RYR1 function due to truncation variants is not an established disease mechanism for autosomal dominant malignant hyperthermia, although it is associated with other phenotype(s). Due to insufficient evidence, this variant is classified as a Variant of Uncertain Significance for autosomal dominant malignant hyperthermia.

This study involves interpretation of variants in research participants for the purpose of population health screening. Participant phenotype was not available at the time of variant classification. Additional details can be found in publication PMID: 35346344, PMCID: PMC8962531